The following is an entry in ClinVar:

NM_001283009.2(RTEL1):c.3334del (p.Leu1112fs)

Genes: RTEL1 (regulator of telomere elongation helicase 1; plus strand), RTEL1-TNFRSF6B (RTEL1-TNFRSF6B readthrough (NMD candidate); plus strand). Cytogenetic location: 20q13.33.
Variant type: Deletion.
Coding change: c.3334del on transcript NM_001283009.2 (MANE Select); coding-DNA position 3334, one base deleted (C; older notation c.3334delC).
Protein change: p.Leu1112fs; shifts the reading frame from leucine 1112.
Molecular consequence: frameshift variant. On other transcripts: non-coding transcript variant (1).
Genome position (GRCh38, 1-based): chr20:63,694,965, C deleted; the last of 5 consecutive C bases (chr20:63,694,961-63,694,965); deleting any one gives the same sequence. VCF-style (leftmost placement, unchanged base first): chr20-63694960-TC-T. GRCh37 (hg19) VCF-style: chr20-62326313-TC-T.
Other names: c.3406delC (NM_032957.4); c.2665del, p.Leu889fs (NM_001283010.1); c.3334del, p.Leu1112fs (NM_016434.4); c.3406del, p.Leu1136fs (NM_032957.5); c.3406del (NM_032957.4); short protein forms L1112fs, L1136fs, L889fs.
Identifiers: ClinVar variation 557947 (VCV000557947.7), dbSNP rs1555814334, ClinGen allele CA658824166.
Genomic context (GRCh38, chr20:63,694,960, plus strand): 5'-ACGACCTCGACAAGGTGCTGGCTGTGTTGGCCGCCCTGACCACTGCAAAGCCAGAGGACT[TC>T]CCCCTGCTGCACAGCAAGTGGCCCTGGCGTGGGGAACAGCCGGTGGGGTGGGGGGCAGGG-3'

ClinVar aggregate classification (germline): Pathogenic/Likely pathogenic. Review status: criteria provided, multiple submitters, no conflicts (2 of 4 stars). 3 submissions from 3 submitters: Pathogenic (1); Likely pathogenic (1). 1 of the submissions does not count toward it. Last evaluated 2025-05-29.

Conditions:
Dyskeratosis congenita. Identifiers: Orphanet 1775, MedGen C0265965, MONDO:0015780.
Dyskeratosis congenita, autosomal recessive 5 (DKCB5). Identifiers: MedGen C3554656, MONDO:0014076, OMIM 615190.
Pulmonary fibrosis and/or bone marrow failure, Telomere-related, 3. Also called: PULMONARY FIBROSIS AND/OR BONE MARROW FAILURE SYNDROME, TELOMERE-RELATED, 3. Identifiers: Orphanet 2032, MedGen C4225346, MONDO:0014613, OMIM 616373.

Submissions (3):

Natera, Inc.
Classification: Likely pathogenic for Dyskeratosis congenita. Last evaluated: 2025-05-29. Review status: criteria provided, single submitter. Criteria: Natera Variant Classification Schema (03/2026). Collection method: clinical testing. Allele origin: germline.
Comment: The c.3406del variant in RTEL1 is a frameshift variant predicted to shift the reading frame beginning at codon 1136 and leads to a stop codon 24 codons downstream. This variant is expected to result in nonsense mediated decay, truncation, or a dysfunctional protein product. This variant is rare in the general population with a frequency below the threshold expected for the associated phenotype(s). Given the available evidence, this variant is classified as Likely Pathogenic.

Labcorp Genetics (formerly Invitae), Labcorp
Classification: Pathogenic for Dyskeratosis congenita, autosomal recessive 5; Pulmonary fibrosis and/or bone marrow failure, Telomere-related, 3. Last evaluated: 2023-03-13. Review status: criteria provided, single submitter. Criteria: Invitae Variant Classification Sherloc (09022015). Collection method: clinical testing. Allele origin: germline.
Comment: For these reasons, this variant has been classified as Pathogenic. ClinVar contains an entry for this variant (Variation ID: 557947). This variant has not been reported in the literature in individuals affected with RTEL1-related conditions. This variant is not present in population databases (gnomAD no frequency). This sequence change creates a premature translational stop signal (p.Leu1112Cysfs*24) in the RTEL1 gene. It is expected to result in an absent or disrupted protein product. Loss-of-function variants in RTEL1 are known to be pathogenic (PMID: 23453664, 23959892, 25607374).

Counsyl
Classification: Likely pathogenic for Dyskeratosis congenita, autosomal recessive 5. Last evaluated: 2018-04-18. Review status: no assertion criteria provided. Collection method: clinical testing. Allele origin: unknown. Not counted in ClinVar's aggregate classification.

Literature cited by the submitters: PubMed 23453664 (cited by Labcorp Genetics (formerly Invitae), Labcorp); PubMed 23959892 (cited by Labcorp Genetics (formerly Invitae), Labcorp); PubMed 25607374 (cited by Labcorp Genetics (formerly Invitae), Labcorp).